The following is an entry in ClinVar:

ClinVar aggregate classification (germline): Benign. Review status: criteria provided, multiple submitters, no conflicts (2 of 4 stars). 2 submissions from 2 submitters: Benign (2). Last evaluated 2018-06-16.

Allele frequency attached by ClinVar (database versions not stated): gnomAD exomes 0.00223 and 0.00538; ExAC 0.01028; gnomAD 0.02298 and 0.02474; 1000 Genomes Project 0.02496; ESP Exome Variant Server 0.02497; TOPMed 0.02546; 1000 Genomes Project 30x 0.02842.
gnomAD v4.1: 6,313 of 1,356,464 alleles (0.47%); highest among the groups gnomAD compares: African/African-American, 7.9%; 252 homozygotes.

Submissions (2):

GeneDx
Classification: Benign. Last evaluated: 2018-06-16. Review status: criteria provided, single submitter. Criteria: GeneDx Variant Classification (06012015). Collection method: clinical testing. Allele origin: germline. Affected: yes.
Comment: This variant is considered likely benign or benign based on one or more of the following criteria: it is a conservative change, it occurs at a poorly conserved position in the protein, it is predicted to be benign by multiple in silico algorithms, and/or has population frequency not consistent with disease.

Breakthrough Genomics
Classification: Benign. Review status: criteria provided, single submitter. Criteria: ACMG Guidelines, 2015. Collection method: not provided. Allele origin: germline. Inheritance: Autosomal dominant inheritance. Affected: yes.

NM_001098511.3(KIF2A):c.2150-43G>A

Gene: KIF2A (kinesin family member 2A; plus strand). Cytogenetic location: 5q12.1.
Variant type: single nucleotide variant.
Coding change: c.2150-43G>A on transcript NM_001098511.3 (MANE Select); 43 bases into the intron before coding-DNA position 2150, G replaced by A.
Molecular consequence: intron variant.
Genome position (GRCh38, 1-based): chr5:62,385,441, G>A. VCF-style: chr5-62385441-G-A. GRCh37 (hg19) VCF-style: chr5-61681268-G-A.
Other names: c.1955-43G>A (NM_001243952.2); c.2036-43G>A (NM_004520.5); c.1979-43G>A (NM_001243953.2).
Identifiers: ClinVar variation 676965 (VCV000676965.2), dbSNP rs73760804, ClinGen allele CA3279127.